The following is an entry in ClinVar:

ClinVar aggregate classification (germline): Uncertain significance (1 of 4 stars; one submission).

Submission:

Quest Diagnostics Nichols Institute San Juan Capistrano
Classification: Uncertain significance. Last evaluated: 2023-03-23. Review status: criteria provided, single submitter. Criteria: Quest Diagnostics criteria. Collection method: clinical testing. Allele origin: unknown.
Comment: This variant has not been reported in the published literature. It also has not been reported in large, multi-ethnic general populations. Analysis of this variant using bioinformatics tools for the prediction of the effect of amino acid changes on protein structure and function yielded predictions that this variant is benign. Based on the available information, we are unable to determine the clinical significance of this variant.

NM_177438.3(DICER1):c.3317C>G (p.Ser1106Cys)

Gene: DICER1 (dicer 1, ribonuclease III; minus strand). Cytogenetic location: 14q32.13.
Variant type: single nucleotide variant.
Coding change: c.3317C>G on transcript NM_177438.3 (MANE Select); coding-DNA position 3317, C replaced by G.
Protein change: p.Ser1106Cys; replaces serine 1106 with cysteine.
Molecular consequence: missense variant. On other transcripts: non-coding transcript variant (4).
Genome position (GRCh38, 1-based): chr14:95,104,079, G>C on the plus strand (C>G on the coding strand, the complement: DICER1 is on the minus strand). VCF-style: chr14-95104079-G-C. GRCh37 (hg19) VCF-style: chr14-95570416-G-C.
Other names: c.3317C>G, p.Ser1106Cys (NM_001195573.1, NM_001271282.3, NM_001291628.2 and 13 more transcripts); c.3035C>G, p.Ser1012Cys (NM_001395686.1); c.2912C>G, p.Ser971Cys (NM_001395687.1, NM_001395688.1, NM_001395689.1 and 2 more transcripts); c.2750C>G, p.Ser917Cys (NM_001395691.1); c.1634C>G, p.Ser545Cys (NM_001395697.1); short protein forms S1012C, S1106C, S545C, S917C, S971C.
Identifiers: ClinVar variation 2681880 (VCV002681880.1), dbSNP rs761613375, ClinGen allele CA390875931.